The following is an entry in ClinVar:

NM_033380.3(COL4A5):c.1517-1G>C

Gene: COL4A5 (collagen type IV alpha 5 chain; plus strand). Cytogenetic location: Xq22.3.
Variant type: single nucleotide variant.
Coding change: c.1517-1G>C on transcript NM_033380.3 (MANE Select); the canonical splice acceptor site of the intron before coding-DNA position 1517, G replaced by C.
Molecular consequence: splice acceptor variant.
Genome position (GRCh38, 1-based): chrX:108,596,997, G>C. VCF-style: chrX-108596997-G-C. GRCh37 (hg19) VCF-style: chrX-107840227-G-C.
Other names: c.1517-1G>C (NM_000495.5).
Identifiers: ClinVar variation 845765 (VCV000845765.10), dbSNP rs104886332, ClinGen allele CA413845039.

ClinVar aggregate classification (germline): Pathogenic (1 of 4 stars; one submission).

Submission:

Labcorp Genetics (formerly Invitae), Labcorp
Classification: Pathogenic. Last evaluated: 2019-12-16. Review status: criteria provided, single submitter. Criteria: Invitae Variant Classification Sherloc (09022015). Collection method: clinical testing. Allele origin: germline.
Comment: Disruption of this splice site has been observed in individual(s) with Alport disease (PMID: 19065523). It has also been observed to segregate with disease in related individuals. For these reasons, this variant has been classified as Pathogenic. Donor and acceptor splice site variants typically lead to a loss of protein function (PMID: 16199547), and loss-of-function variants in COL4A5 are known to be pathogenic (PMID: 9195222, 10752524, 14514738, 24854265, 26809805). Algorithms developed to predict the effect of sequence changes on RNA splicing suggest that this variant may disrupt the consensus splice site, but this prediction has not been confirmed by published transcriptional studies. This variant is not present in population databases (ExAC no frequency). This sequence change affects an acceptor splice site in intron 22 of the COL4A5 gene. It is expected to disrupt RNA splicing and likely results in an absent or disrupted protein product.

Literature cited by the submitters: PubMed 19065523; PubMed 16199547; PubMed 9195222; PubMed 10752524; PubMed 14514738; PubMed 24854265; PubMed 26809805.